The following is an entry in ClinVar:

NM_000188.3(HK1):c.562C>G (p.Leu188Val)

Gene: HK1 (hexokinase 1; plus strand). Cytogenetic location: 10q22.1.
Variant type: single nucleotide variant.
Coding change: c.562C>G on transcript NM_000188.3 (MANE Select); coding-DNA position 562, C replaced by G.
Protein change: p.Leu188Val; replaces leucine 188 with valine.
Molecular consequence: missense variant. On other transcripts: intron variant (1).
Genome position (GRCh38, 1-based): chr10:69,368,602, C>G. VCF-style: chr10-69368602-C-G. GRCh37 (hg19) VCF-style: chr10-71128358-C-G.
Other names: c.574C>G, p.Leu192Val (NM_001322364.2, NM_001358263.1, NM_033497.3 and 1 more transcripts); c.667C>G, p.Leu223Val (NM_001322365.2); c.478C>G, p.Leu160Val (NM_001322366.1); c.559C>G, p.Leu187Val (NM_033496.3); c.526C>G, p.Leu176Val (NM_033500.2); c.496-635C>G (NM_001322367.1); short protein forms L160V, L176V, L187V, L188V, L192V, L223V.
Identifiers: ClinVar variation 2504745 (VCV002504745.1), dbSNP rs545879525, ClinGen allele CA376913685.
Genomic context (GRCh38, chr10:69,368,602, plus strand): 5'-CTGATCACCTGGACAAAGCGATTTAAAGCGAGCGGAGTGGAAGGAGCAGATGTGGTCAAA[C>G]TGCTTAACAAAGCCATCAAAAAGCGAGGGGTAATTTCTCCTGGGCCCTCTGCCTCAGCCA-3'
Protein context (NP_000179.2, residues 178-198): SGVEGADVVK[Leu188Val]LNKAIKKRGD

ClinVar aggregate classification (germline): Uncertain significance (1 of 4 stars; one submission).

Submission:

GeneDx
Classification: Uncertain significance. Last evaluated: 2022-11-29. Review status: criteria provided, single submitter. Criteria: GeneDx Variant Classification Process June 2021. Collection method: clinical testing. Allele origin: germline. Affected: yes.
Comment: Not observed at significant frequency in large population cohorts (gnomAD); In silico analysis supports that this missense variant does not alter protein structure/function; Has not been previously published as pathogenic or benign to our knowledge